The following is an entry in ClinVar:

ClinVar aggregate classification (germline): Benign. Review status: criteria provided, multiple submitters, no conflicts (2 of 4 stars). 7 submissions from 3 submitters: Benign (7). Last evaluated 2021-05-12.

Conditions:
Brachydactyly. Also called: Brachydactyly syndrome; Brachydactyly (disease). Identifiers: MedGen C0221357, MONDO:0021004, HP:0001156.
Multiple synostoses syndrome 2 (SYNS2). Identifiers: Orphanet 3237, MedGen C1832708, MONDO:0012394, OMIM 610017.
Acromesomelic dysplasia 2B. Also called: DU PAN SYNDROME. Identifiers: Orphanet 2639, MedGen C1856738, MONDO:0009231, OMIM 228900.
Grebe syndrome. Also called: ACROMESOMELIC DYSPLASIA, GREBE TYPE; GREBE DYSPLASIA; ACROMESOMELIC DYSPLASIA 2A. Identifiers: Orphanet 2098, MedGen C0265260, MONDO:0008703, OMIM 200700.
Acromesomelic dysplasia 2C, Hunter-Thompson type. Also called: Acromesomelic dysplasia, Hunter-Thompson type. Identifiers: Orphanet 968, MedGen C2930970, MONDO:0008717, OMIM 201250.

Allele frequency attached by ClinVar (database versions not stated): gnomAD 0.09512 and 0.09920; TOPMed 0.09714; 1000 Genomes Project 30x 0.15365; 1000 Genomes Project 0.15655.
gnomAD v4.1: 36,445 of 385,580 alleles (9.5%); highest among the groups gnomAD compares: South Asian, 21%; 2,592 homozygotes.

Submissions (7):

GeneDx
Classification: Benign. Last evaluated: 2021-05-12. Review status: criteria provided, single submitter. Criteria: GeneDx Variant Classification Process June 2021. Collection method: clinical testing. Allele origin: germline. Affected: yes.

Illumina Laboratory Services, Illumina
Classification: Benign for Grebe syndrome. Last evaluated: 2018-01-13. Review status: criteria provided, single submitter. Criteria: ICSL Variant Classification Criteria 13 December 2019. Collection method: clinical testing. Allele origin: germline.
Comment: This variant was observed in the ICSL laboratory as part of a predisposition screen in an ostensibly healthy population. It had not been previously curated by ICSL or reported in the Human Gene Mutation Database (HGMD: prior to June 1st, 2018), and was therefore a candidate for classification through an automated scoring system. Utilizing variant allele frequency, disease prevalence and penetrance estimates, and inheritance mode, an automated score was calculated to assess if this variant is too frequent to cause the disease. Based on the score and internal cut-off values, a variant classified as benign is not then subjected to further curation. The score for this variant resulted in a classification of benign for this disease.

Illumina Laboratory Services, Illumina
Classification: Benign for Multiple synostoses syndrome 2. Last evaluated: 2018-01-13. Review status: criteria provided, single submitter. Criteria: ICSL Variant Classification Criteria 13 December 2019. Collection method: clinical testing. Allele origin: germline.
Comment: the same text as in the submission from Illumina Laboratory Services, Illumina above.

Illumina Laboratory Services, Illumina
Classification: Benign for Fibular hypoplasia and complex brachydactyly. Last evaluated: 2018-01-13. Review status: criteria provided, single submitter. Criteria: ICSL Variant Classification Criteria 13 December 2019. Collection method: clinical testing. Allele origin: germline.
Comment: the same text as in the submission from Illumina Laboratory Services, Illumina above.

Illumina Laboratory Services, Illumina
Classification: Benign for Acromesomelic dysplasia 2C, Hunter-Thompson type. Last evaluated: 2018-01-13. Review status: criteria provided, single submitter. Criteria: ICSL Variant Classification Criteria 13 December 2019. Collection method: clinical testing. Allele origin: germline.
Comment: the same text as in the submission from Illumina Laboratory Services, Illumina above.

Illumina Laboratory Services, Illumina
Classification: Benign for Brachydactyly. Last evaluated: 2018-01-13. Review status: criteria provided, single submitter. Criteria: ICSL Variant Classification Criteria 13 December 2019. Collection method: clinical testing. Allele origin: germline.
Comment: the same text as in the submission from Illumina Laboratory Services, Illumina above.

Breakthrough Genomics
Classification: Benign. Review status: criteria provided, single submitter. Criteria: ACMG Guidelines, 2015. Collection method: not provided. Allele origin: germline. Inheritance: Autosomal recessive inheritance. Affected: yes.

NM_000557.5(GDF5):c.*335A>C

Genes: GDF5-AS1 (GDF5 antisense RNA 1; plus strand), GDF5 (growth differentiation factor 5; minus strand). Cytogenetic location: 20q11.22.
Variant type: single nucleotide variant.
Coding change: c.*335A>C on transcript NM_000557.5 (MANE Select); 335 bases downstream of the stop codon, A replaced by C.
Molecular consequence: 3 prime UTR variant.
Genome position (GRCh38, 1-based): chr20:35,433,574, T>G on the plus strand (A>C on the coding strand, the complement: GDF5 is on the minus strand). VCF-style: chr20-35433574-T-G. GRCh37 (hg19) VCF-style: chr20-34021372-T-G.
Other names: c.*335A>C (NM_001319138.2).
Identifiers: ClinVar variation 338313 (VCV000338313.9), dbSNP rs73611720, ClinGen allele CA10653095.
Genomic context (GRCh38, chr20:35,433,574, plus strand): 5'-ATTTGAGGAGGCAGTGGCACCTGTGGCTCTCCTGAGAGGTGCTTAGGAGAGTCCAGAGGC[T>G]GAGAAGGCCCAGGTGAGGAGAAATGGTGGGCTGAGTCTCATCGGAAAGCACTGTTTCCTG-3'